The following is an entry in ClinVar:

NM_001040142.2(SCN2A):c.3255T>C (p.Tyr1085=)

Gene: SCN2A (sodium voltage-gated channel alpha subunit 2; plus strand). Cytogenetic location: 2q24.3.
Variant type: single nucleotide variant.
Coding change: c.3255T>C on transcript NM_001040142.2 (MANE Select); coding-DNA position 3255, T replaced by C.
Protein change: p.Tyr1085=; no amino-acid change (tyrosine 1085 retained).
Molecular consequence: synonymous variant.
Genome position (GRCh38, 1-based): chr2:165,354,527, T>C. VCF-style: chr2-165354527-T-C. GRCh37 (hg19) VCF-style: chr2-166211037-T-C.
Other names: c.3255T>C, p.Tyr1085= (NM_001040143.2, NM_001371246.1, NM_001371247.1 and 1 more transcripts).
Identifiers: ClinVar variation 381988 (VCV000381988.1), dbSNP rs1057521230, ClinGen allele CA16603915.
Genomic context (GRCh38, chr2:165,354,527, plus strand): 5'-CAATTATCTCAAAGACGGAAATGGAACTACTAGTGGCATAGGCAGCAGTGTAGAAAAATA[T>C]GTCGTGGATGAAAGTGATTACATGTCATTTATAAACAACCCTAGCCTCACTGTGACAGTA-3'
Protein context (NP_001035232.1, residues 1075-1095): TSGIGSSVEK[Tyr1085=]VVDESDYMSF

ClinVar aggregate classification (germline): Likely benign (1 of 4 stars; one submission).

Allele frequency attached by ClinVar (database versions not stated): gnomAD exomes below 0.00001; TOPMed below 0.00001; gnomAD 0.00001.
gnomAD v4.1: 2 of 1,613,964 alleles (0.00012%); highest among the groups gnomAD compares: Non-Finnish European, 0.00017%; no homozygotes.

Submission:

GeneDx
Classification: Likely benign. Last evaluated: 2015-11-23. Review status: criteria provided, single submitter. Criteria: GeneDx Variant Classification (06012015). Collection method: clinical testing. Allele origin: germline. Affected: yes.
Comment: This variant is considered likely benign or benign based on one or more of the following criteria: it is a conservative change, it occurs at a poorly conserved position in the protein, it is predicted to be benign by multiple in silico algorithms, and/or has population frequency not consistent with disease.